The following is an entry in ClinVar:

NM_006254.4(PRKCD):c.892G>A (p.Ala298Thr)

Gene: PRKCD (protein kinase C delta; plus strand). Cytogenetic location: 3p21.1.
Variant type: single nucleotide variant.
Coding change: c.892G>A on transcript NM_006254.4 (MANE Select); coding-DNA position 892, G replaced by A.
Protein change: p.Ala298Thr; replaces alanine 298 with threonine.
Molecular consequence: missense variant.
Genome position (GRCh38, 1-based): chr3:53,185,607, G>A. VCF-style: chr3-53185607-G-A. GRCh37 (hg19) VCF-style: chr3-53219623-G-A.
Other names: c.892G>A, p.Ala298Thr (NM_001316327.2, NM_001354679.2, NM_001354680.2 and 1 more transcripts); c.949G>A, p.Ala317Thr (NM_001354676.2); c.940G>A, p.Ala314Thr (NM_001354678.2); short protein forms A314T, A298T, A317T.
Identifiers: ClinVar variation 1436188 (VCV001436188.5), dbSNP rs2107275432, ClinGen allele CA353220785.

ClinVar aggregate classification (germline): Uncertain significance (1 of 4 stars; one submission).

Conditions:
Autoimmune lymphoproliferative syndrome, type III caused by mutation in PRKCD. Identifiers: Orphanet 3261, Orphanet 664711, MedGen C3809928, MONDO:8000024, OMIM 615559.

Allele frequency attached by ClinVar (database versions not stated): gnomAD exomes below 0.00001.
gnomAD v4.1: 3 of 1,613,456 alleles (0.00019%); highest among the groups gnomAD compares: Admixed American, 0.0017%; no homozygotes.

Submission:

Labcorp Genetics (formerly Invitae), Labcorp
Classification: Uncertain significance for Autoimmune lymphoproliferative syndrome, type III caused by mutation in PRKCD. Last evaluated: 2022-05-12. Review status: criteria provided, single submitter. Criteria: Invitae Variant Classification Sherloc (09022015). Collection method: clinical testing. Allele origin: germline.
Comment: This sequence change replaces alanine, which is neutral and non-polar, with threonine, which is neutral and polar, at codon 298 of the PRKCD protein (p.Ala298Thr). This variant is not present in population databases (gnomAD no frequency). This variant has not been reported in the literature in individuals affected with PRKCD-related conditions. Algorithms developed to predict the effect of missense changes on protein structure and function output the following: SIFT: "Tolerated"; PolyPhen-2: "Benign"; Align-GVGD: "Class C0". The threonine amino acid residue is found in multiple mammalian species, which suggests that this missense change does not adversely affect protein function. In summary, the available evidence is currently insufficient to determine the role of this variant in disease. Therefore, it has been classified as a Variant of Uncertain Significance.